The following is an entry in ClinVar:

ClinVar aggregate classification (germline): Likely benign (0 of 4 stars; one submission).

Conditions:
LMAN2L-related disorder. Also called: LMAN2L-related condition.

Allele frequency attached by ClinVar (database versions not stated): TOPMed 0.00006; gnomAD 0.00007; gnomAD exomes 0.00023; 1000 Genomes Project 0.00040; ExAC 0.00041; 1000 Genomes Project 30x 0.00047.
gnomAD v4.1: 348 of 1,613,810 alleles (0.022%); highest among the groups gnomAD compares: South Asian, 0.25%; 5 homozygotes.

Submission:

PreventionGenetics, part of Exact Sciences
Classification: Likely benign for LMAN2L-related condition. Last evaluated: 2020-01-13. Review status: no assertion criteria provided. Collection method: clinical testing. Allele origin: germline.
Comment: This variant is classified as likely benign based on ACMG/AMP sequence variant interpretation guidelines (Richards et al. 2015 PMID: 25741868, with internal and published modifications).

NM_030805.4(LMAN2L):c.819A>G (p.Glu273=)

Gene: LMAN2L (lectin, mannose binding 2 like; minus strand). Cytogenetic location: 2q11.2.
Variant type: single nucleotide variant.
Coding change: c.819A>G on transcript NM_030805.4 (MANE Select); coding-DNA position 819, A replaced by G.
Protein change: p.Glu273=; no amino-acid change (glutamic acid 273 retained).
Molecular consequence: synonymous variant.
Genome position (GRCh38, 1-based): chr2:96,707,799, T>C on the plus strand (A>G on the coding strand, the complement: LMAN2L is on the minus strand). VCF-style: chr2-96707799-T-C. GRCh37 (hg19) VCF-style: chr2-97373536-T-C.
Other names: c.852A>G, p.Glu284= (NM_001142292.2); c.417A>G, p.Glu139= (NM_001322346.2, NM_001322354.2); c.438A>G, p.Glu146= (NM_001322347.2, NM_001322352.2); c.405A>G, p.Glu135= (NM_001322350.2); c.384A>G, p.Glu128= (NM_001322351.2, NM_001322355.2, NM_001322356.2).
Identifiers: ClinVar variation 3052169 (VCV003052169.2), dbSNP rs531289024, ClinGen allele CA1782851.